The following is an entry in ClinVar:

ClinVar aggregate classification (germline): Uncertain significance (1 of 4 stars; one submission).

Conditions:
X-linked agammaglobulinemia with growth hormone deficiency (IGHD3). Also called: AGAMMAGLOBULINEMIA AND ISOLATED GROWTH HORMONE DEFICIENCY, X-LINKED; FLEISHER SYNDROME; HYPOGAMMAGLOBULINEMIA AND ISOLATED GROWTH HORMONE DEFICIENCY, X-LINKED; IGHD III; ISOLATED GROWTH HORMONE DEFICIENCY, TYPE III, WITH AGAMMAGLOBULINEMIA; Isolated growth hormone deficiency type 3. Identifiers: Orphanet 231692, Orphanet 631, MedGen C0472813, MONDO:0010615, OMIM 307200.

Submission:

Labcorp Genetics (formerly Invitae), Labcorp
Classification: Uncertain significance for X-linked agammaglobulinemia with growth hormone deficiency. Last evaluated: 2024-08-31. Review status: criteria provided, single submitter. Criteria: Invitae Variant Classification Sherloc (09022015). Collection method: clinical testing. Allele origin: germline.
Comment: This sequence change replaces arginine, which is basic and polar, with leucine, which is neutral and non-polar, at codon 641 of the BTK protein (p.Arg641Leu). This variant is not present in population databases (gnomAD no frequency). This missense change has been observed in individual(s) with agammaglobulinemia (internal data). Invitae Evidence Modeling of protein sequence and biophysical properties (such as structural, functional, and spatial information, amino acid conservation, physicochemical variation, residue mobility, and thermodynamic stability) indicates that this missense variant is expected to disrupt BTK protein function with a positive predictive value of 80%. This variant disrupts the p.Arg641 amino acid residue in BTK. Other variant(s) that disrupt this residue have been determined to be pathogenic (PMID: 7633420, 17765309). This suggests that this residue is clinically significant, and that variants that disrupt this residue are likely to be disease-causing. In summary, the available evidence is currently insufficient to determine the role of this variant in disease. Therefore, it has been classified as a Variant of Uncertain Significance.

Literature cited by the submitters: PubMed 7633420; PubMed 17765309.

NM_000061.3(BTK):c.1922G>T (p.Arg641Leu)

Gene: BTK (Bruton tyrosine kinase; minus strand). Cytogenetic location: Xq22.1.
Variant type: single nucleotide variant.
Coding change: c.1922G>T on transcript NM_000061.3 (MANE Select); coding-DNA position 1922, G replaced by T.
Protein change: p.Arg641Leu; replaces arginine 641 with leucine.
Molecular consequence: missense variant.
Genome position (GRCh38, 1-based): chrX:101,349,943, C>A on the plus strand (G>T on the coding strand, the complement: BTK is on the minus strand). VCF-style: chrX-101349943-C-A. GRCh37 (hg19) VCF-style: chrX-100604931-C-A.
Other names: c.2024G>T, p.Arg675Leu (NM_001287344.2); c.1394G>T, p.Arg465Leu (NM_001287345.2); short protein forms R641L, R675L, R465L.
Identifiers: ClinVar variation 3653820 (VCV003653820.2).